The following is an entry in ClinVar:

ClinVar aggregate classification (germline): Uncertain significance. Review status: criteria provided, single submitter (1 of 4 stars). 2 submissions from 2 submitters: Uncertain significance (1). 1 of the submissions does not count toward it. Last evaluated 2021-08-24.

Conditions:
Glycine encephalopathy. Also called: Nonketotic hyperglycinemia; Non-ketotic hyperglycinemia. Identifiers: Orphanet 407, MedGen C0751748, MONDO:0011612, HP:0008288.

Allele frequency attached by ClinVar (database versions not stated): gnomAD exomes below 0.00001; gnomAD 0.00001.
gnomAD v4.1: 3 of 1,613,952 alleles (0.00019%); highest among the groups gnomAD compares: Admixed American, 0.005%; no homozygotes.

Submissions (2):

Labcorp Genetics (formerly Invitae), Labcorp
Classification: Uncertain significance for Glycine encephalopathy. Last evaluated: 2021-08-24. Review status: criteria provided, single submitter. Criteria: Invitae Variant Classification Sherloc (09022015). Collection method: clinical testing. Allele origin: germline.
Comment: This sequence change replaces lysine with arginine at codon 159 of the AMT protein (p.Lys159Arg). The lysine residue is moderately conserved and there is a small physicochemical difference between lysine and arginine. This variant is not present in population databases (ExAC no frequency). This variant has not been reported in the literature in individuals affected with AMT-related conditions. Algorithms developed to predict the effect of missense changes on protein structure and function output the following: SIFT: "Tolerated"; PolyPhen-2: "Benign"; Align-GVGD: "Class C0". The arginine amino acid residue is found in multiple mammalian species, which suggests that this missense change does not adversely affect protein function. Algorithms developed to predict the effect of sequence changes on RNA splicing suggest that this variant may create or strengthen a splice site. In summary, the available evidence is currently insufficient to determine the role of this variant in disease. Therefore, it has been classified as a Variant of Uncertain Significance.

Natera, Inc.
Classification: Uncertain significance for Non-ketotic hyperglycinemia. Last evaluated: 2020-09-16. Review status: no assertion criteria provided. Collection method: clinical testing. Allele origin: germline. Not counted in ClinVar's aggregate classification.

NM_000481.4(AMT):c.476A>G (p.Lys159Arg)

Gene: AMT (aminomethyltransferase; minus strand). Cytogenetic location: 3p21.31.
Variant type: single nucleotide variant.
Coding change: c.476A>G on transcript NM_000481.4 (MANE Select); coding-DNA position 476, A replaced by G.
Protein change: p.Lys159Arg; replaces lysine 159 with arginine.
Molecular consequence: missense variant. On other transcripts: non-coding transcript variant (1).
Genome position (GRCh38, 1-based): chr3:49,419,784, T>C on the plus strand (A>G on the coding strand, the complement: AMT is on the minus strand). VCF-style: chr3-49419784-T-C. GRCh37 (hg19) VCF-style: chr3-49457217-T-C.
Other names: c.344A>G, p.Lys115Arg (NM_001164710.2); c.308A>G, p.Lys103Arg (NM_001164711.2); c.476A>G, p.Lys159Arg (NM_001164712.2); short protein forms K159R, K103R, K115R.
Identifiers: ClinVar variation 462899 (VCV000462899.3), dbSNP rs1553638556, ClinGen allele CA352790505.